The following is an entry in ClinVar:

ClinVar aggregate classification (germline): Pathogenic/Likely pathogenic. Review status: criteria provided, multiple submitters, no conflicts (2 of 4 stars). 4 submissions from 4 submitters: Pathogenic (1); Likely pathogenic (3). Last evaluated 2022-09-29.

Conditions:
Emery-Dreifuss muscular dystrophy 2, autosomal dominant (EDMD2). Also called: SCAPULOILIOPERONEAL ATROPHY WITH CARDIOPATHY; Benign scapuloperoneal muscular dystrophy with cardiomyopathy; LMNA-Related Emery-Dreifuss Muscular Dystrophy, Autosomal; HAUPTMANN-THANNHAUSER MUSCULAR DYSTROPHY; MUSCULAR DYSTROPHY WITH EARLY CONTRACTURES AND CARDIOMYOPATHY, AUTOSOMAL DOMINANT; Limb-girdle muscular dystrophy, type 1B. Identifiers: Orphanet 261, Orphanet 264, MedGen C0410190, MONDO:0021569, OMIM 181350.
Charcot-Marie-Tooth disease type 2. Also called: Charcot-Marie-Tooth type 2. Identifiers: Orphanet 64746, MedGen C0270914, MONDO:0018993.

Submissions (4):

Women's Health and Genetics/Laboratory Corporation of America, LabCorp
Classification: Likely pathogenic for Emery-Dreifuss muscular dystrophy 2, autosomal dominant. Last evaluated: 2022-09-29. Review status: criteria provided, single submitter. Criteria: LabCorp Variant Classification Summary - May 2015. Collection method: clinical testing. Allele origin: germline.
Comment: Variant summary: LMNA c.83G>A (p.Arg28Gln) results in a conservative amino acid change in the encoded protein sequence. Four of five in-silico tools predict a damaging effect of the variant on protein function. The variant was absent in 223856 control chromosomes (gnomAD). c.83G>A has been reported in the literature in an individual diagnosed with limb-girdle muscular dystrophy, type 1B and in an individual affected with inflammatory myopathy (e.g. Mitsuhashi_2010, Komaki_2011). Other variants affecting the same amino acid residue (p.Arg28Gly, p.Arg28Trp) are cited in ClinVar and HGMD as pathogenic and disease-associated. These data indicate that the variant is likely to be associated with disease. To our knowledge, no experimental evidence demonstrating an impact on protein function has been reported. Three clinical diagnostic laboratories have submitted clinical-significance assessments for this variant to ClinVar after 2014 without evidence for independent evaluation. All laboratories classified the variant as likely pathogenic. Based on the evidence outlined above, the variant was classified as likely pathogenic.

Labcorp Genetics (formerly Invitae), Labcorp
Classification: Pathogenic for Charcot-Marie-Tooth disease type 2. Last evaluated: 2022-06-04. Review status: criteria provided, single submitter. Criteria: Invitae Variant Classification Sherloc (09022015). Collection method: clinical testing. Allele origin: germline.
Comment: This sequence change replaces arginine, which is basic and polar, with glutamine, which is neutral and polar, at codon 28 of the LMNA protein (p.Arg28Gln). For these reasons, this variant has been classified as Pathogenic. This variant disrupts the p.Arg28 amino acid residue in LMNA. Other variant(s) that disrupt this residue have been determined to be pathogenic (PMID: 12015247, 17711925). This suggests that this residue is clinically significant, and that variants that disrupt this residue are likely to be disease-causing. Algorithms developed to predict the effect of sequence changes on RNA splicing suggest that this variant may create or strengthen a splice site. Algorithms developed to predict the effect of missense changes on protein structure and function (SIFT, PolyPhen-2, Align-GVGD) all suggest that this variant is likely to be disruptive. ClinVar contains an entry for this variant (Variation ID: 285468). This missense change has been observed in individuals with clinical features of autosomal dominant LMNA-related conditions (PMID: 20980393, 21632249; Invitae). This variant is not present in population databases (gnomAD no frequency).

Revvity Omics, Revvity
Classification: Likely pathogenic. Last evaluated: 2019-07-08. Review status: criteria provided, single submitter. Criteria: ACMG Guidelines, 2015. Collection method: clinical testing. Allele origin: germline.

Eurofins Ntd Llc (ga)
Classification: Likely pathogenic. Last evaluated: 2018-08-15. Review status: criteria provided, single submitter. Criteria: EGL ClinVar v180209 classification definitions. Collection method: clinical testing. Allele origin: germline. Observed: 3 variant alleles, 3 heterozygotes.

Literature cited by the submitters: PubMed 21632249 (cited by Women's Health and Genetics/Laboratory Corporation of America, LabCorp and Labcorp Genetics (formerly Invitae), Labcorp); PubMed 20980393 (cited by Women's Health and Genetics/Laboratory Corporation of America, LabCorp and Labcorp Genetics (formerly Invitae), Labcorp); PubMed 12015247 (cited by Labcorp Genetics (formerly Invitae), Labcorp); PubMed 17711925 (cited by Labcorp Genetics (formerly Invitae), Labcorp).

NM_170707.4(LMNA):c.83G>A (p.Arg28Gln)

Genes: LMNA (lamin A/C; plus strand), LOC129931597 (ATAC-STARR-seq lymphoblastoid silent region 1421; plus strand). Cytogenetic location: 1q22.
Variant type: single nucleotide variant.
Coding change: c.83G>A on transcript NM_170707.4 (MANE Select); coding-DNA position 83, G replaced by A.
Protein change: p.Arg28Gln; replaces arginine 28 with glutamine.
Molecular consequence: missense variant.
Genome position (GRCh38, 1-based): chr1:156,115,001, G>A. VCF-style: chr1-156115001-G-A. GRCh37 (hg19) VCF-style: chr1-156084792-G-A.
Other names: c.83G>A, p.Arg28Gln (NM_001282625.2, NM_001282626.2, NM_005572.4 and 1 more transcripts); short protein forms R28Q.
Identifiers: ClinVar variation 285468 (VCV000285468.18), dbSNP rs886043109, ClinGen allele CA10605120.